The following is an entry in ClinVar:

NM_205861.3(DHDDS):c.144G>C (p.Gln48His)

Gene: DHDDS (dehydrodolichyl diphosphate synthase subunit; plus strand). Cytogenetic location: 1p36.11.
Variant type: single nucleotide variant.
Coding change: c.144G>C on transcript NM_205861.3 (MANE Select); coding-DNA position 144, G replaced by C.
Protein change: p.Gln48His; replaces glutamine 48 with histidine.
Molecular consequence: missense variant. On other transcripts: 5 prime UTR variant (1).
Genome position (GRCh38, 1-based): chr1:26,438,248, G>C. VCF-style: chr1-26438248-G-C. GRCh37 (hg19) VCF-style: chr1-26764739-G-C.
Other names: c.144G>C, p.Gln48His (NM_001243564.2, NM_001243565.2, NM_024887.4); c.-159G>C (NM_001319959.2); short protein forms Q48H.
Identifiers: ClinVar variation 2051201 (VCV002051201.1), dbSNP rs1057088171, ClinGen allele CA19769804.
Genomic context (GRCh38, chr1:26,438,248, plus strand): 5'-CATTGCATTCATAATGGACGGGAACCGTCGCTATGCCAAGAAGTGCCAGGTGGAGCGGCA[G>C]GAAGGCCACTCACAGGGCTTCAACAAGCTAGCTGAGGTGGGTGTGTATGGCAGAGCCCAA-3'
Protein context (NP_995583.1, residues 38-58): RYAKKCQVER[Gln48His]EGHSQGFNKL

ClinVar aggregate classification (germline): Uncertain significance (1 of 4 stars; one submission).

Conditions:
Retinitis pigmentosa 59 (RP59). Identifiers: Orphanet 791, MedGen C3151227, MONDO:0013468, OMIM 613861.

gnomAD v4.1: 3 of 1,614,128 alleles (0.00019%); highest among the groups gnomAD compares: East Asian, 0.0022%; no homozygotes.

Submission:

Labcorp Genetics (formerly Invitae), Labcorp
Classification: Uncertain significance for Retinitis pigmentosa 59. Last evaluated: 2022-04-08. Review status: criteria provided, single submitter. Criteria: Invitae Variant Classification Sherloc (09022015). Collection method: clinical testing. Allele origin: germline.
Comment: This sequence change replaces glutamine, which is neutral and polar, with histidine, which is basic and polar, at codon 48 of the DHDDS protein (p.Gln48His). This variant is not present in population databases (gnomAD no frequency). This variant has not been reported in the literature in individuals affected with DHDDS-related conditions. Algorithms developed to predict the effect of missense changes on protein structure and function (SIFT, PolyPhen-2, Align-GVGD) all suggest that this variant is likely to be tolerated. In summary, the available evidence is currently insufficient to determine the role of this variant in disease. Therefore, it has been classified as a Variant of Uncertain Significance.